The following is an entry in ClinVar:

NM_000256.3(MYBPC3):c.3737T>C (p.Phe1246Ser)

Gene: MYBPC3 (myosin binding protein C3; minus strand). Cytogenetic location: 11p11.2.
Variant type: single nucleotide variant.
Coding change: c.3737T>C on transcript NM_000256.3 (MANE Select); coding-DNA position 3737, T replaced by C.
Protein change: p.Phe1246Ser; replaces phenylalanine 1246 with serine.
Molecular consequence: missense variant.
Genome position (GRCh38, 1-based): chr11:47,332,149, A>G on the plus strand (T>C on the coding strand, the complement: MYBPC3 is on the minus strand). VCF-style: chr11-47332149-A-G. GRCh37 (hg19) VCF-style: chr11-47353700-A-G.
Other names: short protein forms F1246S.
Identifiers: ClinVar variation 1498884 (VCV001498884.5), dbSNP rs786204361, ClinGen allele CA014703.

ClinVar aggregate classification (germline): Uncertain significance. Review status: criteria provided, multiple submitters, no conflicts (2 of 4 stars). 3 submissions from 3 submitters: Uncertain significance (3). Last evaluated 2025-07-14.

Conditions:
Cardiomyopathy (CMYO). Also called: Cardiomyopathies. Identifiers: Orphanet 167848, MedGen C0878544, MONDO:0004994, HP:0001638. Inheritance: Various modes of inheritance.
Hypertrophic cardiomyopathy. Also called: HYPERTROPHIC MYOCARDIOPATHY. Identifiers: Orphanet 217569, MedGen C0007194, MeSH D002312, MONDO:0005045, HP:0001639.

Allele frequency attached by ClinVar (database versions not stated): gnomAD exomes 0.00001.
gnomAD v4.1: 5 of 1,613,788 alleles (0.00031%); highest among the groups gnomAD compares: Non-Finnish European, 0.00042%; no homozygotes.

Submissions (3):

Color Diagnostics, LLC DBA Color Health
Classification: Uncertain significance for Cardiomyopathy. Last evaluated: 2025-07-14. Review status: criteria provided, single submitter. Criteria: ACMG Guidelines, 2015. Collection method: clinical testing. Allele origin: germline.
Comment: This missense variant replaces phenylalanine with serine at codon 1246 of the MYBPC3 protein. Computational prediction suggests that this variant may not impact protein structure and function. To our knowledge, functional studies have not been reported for this variant. This variant has been reported in individuals affected with hypertrophic cardiomyopathy (PMID: 26743238, 32841044, 37466024). This variant has not been identified in the general population by the Genome Aggregation Database (gnomAD). The available evidence is insufficient to determine the role of this variant in disease conclusively. Therefore, this variant is classified as a Variant of Uncertain Significance.

CHEO Genetics Diagnostic Laboratory, Children's Hospital of Eastern Ontario
Classification: Uncertain significance for Cardiomyopathy. Last evaluated: 2022-11-07. Review status: criteria provided, single submitter. Criteria: ACMG Guidelines, 2015. Collection method: clinical testing. Allele origin: germline.

Labcorp Genetics (formerly Invitae), Labcorp
Classification: Uncertain significance for Hypertrophic cardiomyopathy. Last evaluated: 2021-05-19. Review status: criteria provided, single submitter. Criteria: Invitae Variant Classification Sherloc (09022015). Collection method: clinical testing. Allele origin: germline.
Comment: This variant is not present in population databases (ExAC no frequency). This sequence change replaces phenylalanine with serine at codon 1246 of the MYBPC3 protein (p.Phe1246Ser). The phenylalanine residue is moderately conserved and there is a large physicochemical difference between phenylalanine and serine. This variant has not been reported in the literature in individuals with MYBPC3-related conditions. In summary, the available evidence is currently insufficient to determine the role of this variant in disease. Therefore, it has been classified as a Variant of Uncertain Significance. Algorithms developed to predict the effect of missense changes on protein structure and function (SIFT, PolyPhen-2, Align-GVGD) all suggest that this variant is likely to be disruptive, but these predictions have not been confirmed by published functional studies and their clinical significance is uncertain.

Literature cited by the submitters: PubMed 26743238 (cited by Color Diagnostics, LLC DBA Color Health); PubMed 32841044 (cited by Color Diagnostics, LLC DBA Color Health); PubMed 37466024 (cited by Color Diagnostics, LLC DBA Color Health).